The following is an entry in ClinVar:

NC_000008.10:g.(?_30915958)_(31030624_?)del

Gene: WRN (WRN RecQ like helicase; plus strand). Cytogenetic location: 8p12.
Variant type: Deletion.
Identifiers: ClinVar variation 1457641 (VCV001457641.1).

ClinVar aggregate classification (germline): Pathogenic (1 of 4 stars; one submission).

Conditions:
Werner syndrome (WRN). Identifiers: Orphanet 902, MedGen C0043119, MONDO:0010196, OMIM 277700.

Submission:

Labcorp Genetics (formerly Invitae), Labcorp
Classification: Pathogenic for Werner syndrome. Last evaluated: 2021-07-01. Review status: criteria provided, single submitter. Criteria: Invitae Variant Classification Sherloc (09022015). Collection method: clinical testing. Allele origin: germline.
Comment: A gross deletion of the genomic region encompassing the full coding sequence of the WRN gene has been identified. Loss-of-function variants in WRN are known to be pathogenic (PMID: 16673358). The boundaries of this event are unknown as they extend beyond the assayed region for this gene and therefore may encompass additional genes. This variant has not been reported in the literature in individuals affected with WRN-related conditions. For these reasons, this variant has been classified as Pathogenic.

Literature cited by the submitters: PubMed 16673358.